The following is an entry in ClinVar:

ClinVar aggregate classification (germline): Likely benign (0 of 4 stars; one submission).

Conditions:
COQ9-related disorder. Also called: COQ9-related condition.

Allele frequency attached by ClinVar (database versions not stated): TOPMed below 0.00001; gnomAD 0.00001; gnomAD exomes 0.00001.
gnomAD v4.1: 9 of 1,604,682 alleles (0.00056%); highest among the groups gnomAD compares: Non-Finnish European, 0.00077%; no homozygotes.

Submission:

PreventionGenetics, part of Exact Sciences
Classification: Likely benign for COQ9-related condition. Last evaluated: 2023-09-05. Review status: no assertion criteria provided. Collection method: clinical testing. Allele origin: germline.
Comment: This variant is classified as likely benign based on ACMG/AMP sequence variant interpretation guidelines (Richards et al. 2015 PMID: 25741868, with internal and published modifications).

NM_020312.4(COQ9):c.606+8G>A

Gene: COQ9 (coenzyme Q9; plus strand). Cytogenetic location: 16q21.
Variant type: single nucleotide variant.
Coding change: c.606+8G>A on transcript NM_020312.4 (MANE Select); 8 bases into the intron after coding-DNA position 606, G replaced by A.
Molecular consequence: intron variant.
Genome position (GRCh38, 1-based): chr16:57,457,023, G>A. VCF-style: chr16-57457023-G-A. GRCh37 (hg19) VCF-style: chr16-57490935-G-A.
Identifiers: ClinVar variation 3031988 (VCV003031988.2), dbSNP rs1213495373, ClinGen allele CA622667488.